The following is an entry in ClinVar:

ClinVar aggregate classification (germline): Benign/Likely benign. Review status: criteria provided, multiple submitters, no conflicts (2 of 4 stars). 2 submissions from 2 submitters: Benign (1); Likely benign (1). Last evaluated 2026-07-01.

Allele frequency attached by ClinVar (database versions not stated): 1000 Genomes Project 30x 0.00172; ExAC 0.00186; 1000 Genomes Project 0.00220; TOPMed 0.00427; gnomAD exomes 0.00435 and 0.00799; gnomAD 0.00588 and 0.00629.
gnomAD v4.1: 11,979 of 1,538,662 alleles (0.78%); highest among the groups gnomAD compares: Non-Finnish European, 0.88%; 68 homozygotes.

Submissions (2):

CeGaT Center for Human Genetics Tuebingen
Classification: Likely benign. Last evaluated: 2026-07-01. Review status: criteria provided, single submitter. Criteria: CeGaT Center For Human Genetics Tuebingen Variant Classification Criteria Version 2. Collection method: clinical testing. Allele origin: germline. Affected: yes. Observed: 3 variant alleles.
Comment: ELFN1: BP4, BP7, BS2

Labcorp Genetics (formerly Invitae), Labcorp
Classification: Benign. Last evaluated: 2019-12-31. Review status: criteria provided, single submitter. Criteria: Invitae Variant Classification Sherloc (09022015). Collection method: clinical testing. Allele origin: germline.

NM_001128636.4(ELFN1):c.684C>G (p.Gly228=)

Gene: ELFN1 (extracellular leucine rich repeat and fibronectin type III domain containing 1; plus strand). Cytogenetic location: 7p22.3.
Variant type: single nucleotide variant.
Coding change: c.684C>G on transcript NM_001128636.4 (MANE Select); coding-DNA position 684, C replaced by G.
Protein change: p.Gly228=; no amino-acid change (glycine 228 retained).
Molecular consequence: synonymous variant.
Genome position (GRCh38, 1-based): chr7:1,745,280, C>G. VCF-style: chr7-1745280-C-G. GRCh37 (hg19) VCF-style: chr7-1784916-C-G.
Other names: c.684C>G, p.Gly228= (NM_001394187.1, NM_001394188.1).
Identifiers: ClinVar variation 781648 (VCV000781648.28), dbSNP rs141480773, ClinGen allele CA4122380.